The following is an entry in ClinVar:

NM_001372.4(DNAH9):c.10495G>C (p.Glu3499Gln)

Genes: DNAH9 (dynein axonemal heavy chain 9; plus strand), LOC101928350 (uncharacterized LOC101928350; minus strand). Cytogenetic location: 17p12.
Variant type: single nucleotide variant.
Coding change: c.10495G>C on transcript NM_001372.4 (MANE Select); coding-DNA position 10495, G replaced by C.
Protein change: p.Glu3499Gln; replaces glutamic acid 3499 with glutamine.
Molecular consequence: missense variant.
Genome position (GRCh38, 1-based): chr17:11,880,094, G>C. VCF-style: chr17-11880094-G-C. GRCh37 (hg19) VCF-style: chr17-11783411-G-C.
Other names: short protein forms E3499Q.
Identifiers: ClinVar variation 3377562 (VCV003377562.1).

ClinVar aggregate classification (germline): Uncertain significance (1 of 4 stars; one submission).

Conditions:
Ciliary dyskinesia, primary, 40. Also called: CILIARY DYSKINESIA, PRIMARY, 40, WITH OR WITHOUT SITUS INVERSUS. Identifiers: MedGen C4749028, MONDO:0032664, OMIM 618300.

gnomAD v4.1: 51 of 1,613,910 alleles (0.0032%); highest among the groups gnomAD compares: South Asian, 0.052%; no homozygotes.

Submission:

Neuberg Centre For Genomic Medicine, NCGM
Classification: Uncertain significance for Ciliary dyskinesia, primary, 40. Last evaluated: 2023-06-22. Review status: criteria provided, single submitter. Criteria: ACMG Guidelines, 2015. Collection method: clinical testing. Allele origin: germline. Inheritance: Autosomal recessive inheritance. Affected: yes.
Comment: The observed missense c.10495G>C(p.Glu3499Gln) variant in DNAH9 gene has not been reported previously as a pathogenic variant nor a benign variant, to our knowledge. The p.Glu3499Gln variant has been reported with allele frequency of 0.008% in gnomAD Exomes. This variant has not been submitted to the ClinVar database. Multiple lines of computational evidences (Polyphen - Probably damaging, SIFT - Damaging and MutationTaster - Disease causing) predict a damaging effect on protein structure and function for this variant. The reference amino acid change at this position on DNAH9 gene is predicted as conserved by GERP++ and PhyloP across 100 vertebrates. The amino acid Glu at position 3499 is changed to a Gln changing protein sequence and it might alter its composition and physico-chemical properties. For these reasons, this variant has been classified as a Variant of Uncertain Significance (VUS).